The following is an entry in ClinVar:

NM_000274.4(OAT):c.1166A>G (p.Asp389Gly)

Gene: OAT (ornithine aminotransferase; minus strand). Cytogenetic location: 10q26.13.
Variant type: single nucleotide variant.
Coding change: c.1166A>G on transcript NM_000274.4 (MANE Select); coding-DNA position 1166, A replaced by G.
Protein change: p.Asp389Gly; replaces aspartic acid 389 with glycine.
Molecular consequence: missense variant.
Genome position (GRCh38, 1-based): chr10:124,398,096, T>C on the plus strand (A>G on the coding strand, the complement: OAT is on the minus strand). VCF-style: chr10-124398096-T-C. GRCh37 (hg19) VCF-style: chr10-126086665-T-C.
Other names: c.752A>G, p.Asp251Gly (NM_001171814.2); c.1166A>G, p.Asp389Gly (NM_001322965.2, NM_001322966.2, NM_001322967.2 and 3 more transcripts); c.845A>G, p.Asp282Gly (NM_001322971.2); c.566A>G, p.Asp189Gly (NM_001322974.2); short protein forms D189G, D251G, D282G, D389G.
Identifiers: ClinVar variation 1503330 (VCV001503330.3), dbSNP rs1414573089, ClinGen allele CA378633264.

ClinVar aggregate classification (germline): Uncertain significance (1 of 4 stars; one submission).

Conditions:
Ornithine aminotransferase deficiency (GACR). Also called: HYPERORNITHINEMIA WITH GYRATE ATROPHY OF CHOROID AND RETINA; OAT DEFICIENCY; OKT DEFICIENCY; Ornithine ketoacid aminotransferase deficiency; Gyrate atrophy; Gyrate atrophy of choroid and retina. Identifiers: Orphanet 414, MedGen C0018425, MONDO:0009796, OMIM 258870.

Allele frequency attached by ClinVar (database versions not stated): gnomAD exomes below 0.00001; gnomAD 0.00001; TOPMed 0.00001.
gnomAD v4.1: 2 of 1,613,898 alleles (0.00012%); highest among the groups gnomAD compares: African/African-American, 0.0013%; no homozygotes.

Submission:

Labcorp Genetics (formerly Invitae), Labcorp
Classification: Uncertain significance for Ornithine aminotransferase deficiency. Last evaluated: 2022-06-27. Review status: criteria provided, single submitter. Criteria: Invitae Variant Classification Sherloc (09022015). Collection method: clinical testing. Allele origin: germline.
Comment: This sequence change replaces aspartic acid, which is acidic and polar, with glycine, which is neutral and non-polar, at codon 389 of the OAT protein (p.Asp389Gly). This variant is not present in population databases (gnomAD no frequency). This variant has not been reported in the literature in individuals affected with OAT-related conditions. Algorithms developed to predict the effect of missense changes on protein structure and function are either unavailable or do not agree on the potential impact of this missense change (SIFT: "Tolerated"; PolyPhen-2: "Possibly Damaging"; Align-GVGD: "Class C0"). In summary, the available evidence is currently insufficient to determine the role of this variant in disease. Therefore, it has been classified as a Variant of Uncertain Significance.